The following is an entry in ClinVar:

NM_003235.5(TG):c.3385C>G (p.Pro1129Ala)

Gene: TG (thyroglobulin; plus strand). Cytogenetic location: 8q24.22.
Variant type: single nucleotide variant.
Coding change: c.3385C>G on transcript NM_003235.5 (MANE Select); coding-DNA position 3385, C replaced by G.
Protein change: p.Pro1129Ala; replaces proline 1129 with alanine.
Molecular consequence: missense variant.
Genome position (GRCh38, 1-based): chr8:132,900,291, C>G. VCF-style: chr8-132900291-C-G. GRCh37 (hg19) VCF-style: chr8-133912536-C-G.
Other names: short protein forms P1129A.
Identifiers: ClinVar variation 4983444 (VCV004983444.1).

ClinVar aggregate classification (germline): Uncertain significance (1 of 4 stars; one submission).

Conditions:
TG-related disorder. Also called: TG-related condition; TG-related disorders.

gnomAD v4.1: 10 of 1,613,914 alleles (0.00062%); highest among the groups gnomAD compares: Non-Finnish European, 0.00068%; no homozygotes.

Submission:

PreventionGenetics, part of Exact Sciences
Classification: Uncertain significance for TG-related condition. Last evaluated: 2024-11-15. Review status: criteria provided, single submitter. Criteria: ACMG Guidelines, 2015. Collection method: clinical testing. Allele origin: germline.
Comment: The TG c.3385C>G variant is predicted to result in the amino acid substitution p.Pro1129Ala. To our knowledge, this variant has not been reported in the literature or in a large population database (gnomAD), indicating this variant is rare. At this time, the clinical significance of this variant is uncertain due to the absence of conclusive functional and genetic evidence.